The following is an entry in ClinVar:

NM_145239.3(PRRT2):c.581A>C (p.Glu194Ala)

Genes: MVP-DT (MVP divergent transcript; minus strand), PRRT2 (proline rich transmembrane protein 2; plus strand). Cytogenetic location: 16p11.2.
Variant type: single nucleotide variant.
Coding change: c.581A>C on transcript NM_145239.3 (MANE Select); coding-DNA position 581, A replaced by C.
Protein change: p.Glu194Ala; replaces glutamic acid 194 with alanine.
Molecular consequence: missense variant.
Genome position (GRCh38, 1-based): chr16:29,813,635, A>C. VCF-style: chr16-29813635-A-C. GRCh37 (hg19) VCF-style: chr16-29824956-A-C.
Other names: c.581A>C, p.Glu194Ala (NM_001256442.2, NM_001256443.2); short protein forms E194A.
Identifiers: ClinVar variation 2046262 (VCV002046262.4), dbSNP rs2543334458, ClinGen allele CA395479001.

ClinVar aggregate classification (germline): Uncertain significance (1 of 4 stars; one submission).

Conditions:
Episodic kinesigenic dyskinesia (EKD). Also called: Paroxysmal kinesigenic dyskinesia. Identifiers: Orphanet 98809, MedGen C1868682, MONDO:0044202.

Submission:

Labcorp Genetics (formerly Invitae), Labcorp
Classification: Uncertain significance for Episodic kinesigenic dyskinesia. Last evaluated: 2022-07-25. Review status: criteria provided, single submitter. Criteria: Invitae Variant Classification Sherloc (09022015). Collection method: clinical testing. Allele origin: germline.
Comment: This sequence change replaces glutamic acid, which is acidic and polar, with alanine, which is neutral and non-polar, at codon 194 of the PRRT2 protein (p.Glu194Ala). In summary, the available evidence is currently insufficient to determine the role of this variant in disease. Therefore, it has been classified as a Variant of Uncertain Significance. Algorithms developed to predict the effect of missense changes on protein structure and function are either unavailable or do not agree on the potential impact of this missense change (SIFT: "Deleterious"; PolyPhen-2: "Possibly Damaging"; Align-GVGD: "Class C0"). This variant has not been reported in the literature in individuals affected with PRRT2-related conditions. This variant is not present in population databases (gnomAD no frequency).